The following is an entry in ClinVar:

NM_000169.3(GLA):c.1147_1149del (p.Phe383del)

Genes: GLA (galactosidase alpha; minus strand), RPL36A-HNRNPH2 (RPL36A-HNRNPH2 readthrough; plus strand). Cytogenetic location: Xq22.1.
Variant type: Deletion.
Coding change: c.1147_1149del on transcript NM_000169.3 (MANE Select); coding-DNA positions 1147 to 1149, 3 bases deleted (TTC; older notation c.1147_1149delTTC).
Protein change: p.Phe383del; deletes phenylalanine 383.
Molecular consequence: inframe deletion. On other transcripts: inframe indel (1), non-coding transcript variant (3), intron variant (2).
Genome position (GRCh38, 1-based): chrX:101,397,950-101,397,952, GAA deleted on the plus strand (TTC on the coding strand, the reverse complement: GLA is on the minus strand); deleting any 3 consecutive bases within chrX:101,397,950-101,397,953 gives the same sequence; the c. name uses the placement nearest the transcript's 3' end. VCF-style (leftmost placement, unchanged base first): chrX-101397949-TGAA-T. GRCh37 (hg19) VCF-style: chrX-100652937-TGAA-T.
Other names: c.1146_1148delCTT, p.Phe383del (NM_000169.2); c.1270_1272del, p.Phe424del (NM_001406747.1); c.300+2494_300+2496del (NM_001199973.2); c.177+6129_177+6131del (NM_001199974.2); short protein forms F383del, F424del.
Identifiers: ClinVar variation 10765 (VCV000010765.3), dbSNP rs1057519609, ClinGen allele CA16602243.

ClinVar aggregate classification (germline): Uncertain significance. Review status: criteria provided, single submitter (1 of 4 stars). 2 submissions from 2 submitters: Uncertain significance (1). 1 of the submissions does not count toward it. Last evaluated 2026-09-08.

Conditions:
Fabry disease. Also called: Ceramide trihexosidosis; Fabry's disease; CERAMIDE TRIHEXOSIDASE DEFICIENCY; GLA DEFICIENCY; HEREDITARY DYSTOPIC LIPIDOSIS; ALPHA-GALACTOSIDASE A DEFICIENCY. Identifiers: Orphanet 324, MedGen C0002986, MONDO:0010526, OMIM 301500, HP:0001071. Disease mechanism: Fabry disease is due to inactivating mutations in the X-linked GLA gene resulting in deficiency of the enzyme Alpha Galactosidase-A., loss of function.

Submissions (2):

Genomenon, Inc
Classification: Uncertain significance for Fabry disease. Last evaluated: 2026-09-08. Review status: criteria provided, single submitter. Criteria: Genomenon Sequence Variant Interpretation Standards - Updated. Collection method: curation. Allele origin: germline. Affected: yes.
Comment: GLA p.Phe383del (c.1147_1149del) is an in-frame deletion that results in the loss of Phenylalanine at codon 383. This variant has been observed in at least one proband with clinical features consistent with Fabry disease (PMID:28728877;8834244). It is absent or not present at a significant frequency in gnomAD. In conclusion, we classify GLA p.Phe383del (c.1147_1149del) as a variant of uncertain significance.

OMIM
Classification: Pathogenic for FABRY DISEASE. Last evaluated: 1996-04-01. Review status: no assertion criteria provided. Collection method: literature only. Allele origin: germline. Not counted in ClinVar's aggregate classification.

Literature cited by the submitters: PubMed 28728877 (cited by Genomenon, Inc); PubMed 8834244 (cited by Genomenon, Inc and OMIM).